The following is an entry in ClinVar:

NM_016247.4(IMPG2):c.3038C>T (p.Pro1013Leu)

Gene: IMPG2 (interphotoreceptor matrix proteoglycan 2; minus strand). Cytogenetic location: 3q12.3.
Variant type: single nucleotide variant.
Coding change: c.3038C>T on transcript NM_016247.4 (MANE Select); coding-DNA position 3038, C replaced by T.
Protein change: p.Pro1013Leu; replaces proline 1013 with leucine.
Molecular consequence: missense variant.
Genome position (GRCh38, 1-based): chr3:101,232,976, G>A on the plus strand (C>T on the coding strand, the complement: IMPG2 is on the minus strand). VCF-style: chr3-101232976-G-A. GRCh37 (hg19) VCF-style: chr3-100951820-G-A.
Other names: short protein forms P1013L.
Identifiers: ClinVar variation 95749 (VCV000095749.57), dbSNP rs116450347, ClinGen allele CA148793.

ClinVar aggregate classification (germline): Conflicting classifications of pathogenicity. Review status: criteria provided, conflicting classifications (1 of 4 stars). 5 submissions from 5 submitters: Uncertain significance (1); Benign (1); Likely benign (3). Last evaluated 2026-01-29.

Conditions:
Retinitis pigmentosa (RP). Identifiers: Orphanet 791, MedGen C0035334, MeSH D012174, MONDO:0019200, OMIM 268000. Inheritance: Autosomal dominant, autosomal recessive and X linked inheritance.

Allele frequency attached by ClinVar (database versions not stated): 1000 Genomes Project 30x 0.00203; 1000 Genomes Project 0.00180; TOPMed 0.00233; ESP Exome Variant Server 0.00277; gnomAD exomes 0.00379 and 0.00330; gnomAD 0.00277 and 0.00272; ExAC 0.00354.
gnomAD v4.1: 5,894 of 1,613,948 alleles (0.37%); highest among the groups gnomAD compares: South Asian, 0.58%; 19 homozygotes.

Submissions (5):

Labcorp Genetics (formerly Invitae), Labcorp
Classification: Likely benign. Last evaluated: 2026-01-29. Review status: criteria provided, single submitter. Criteria: Invitae Variant Classification Sherloc (09022015). Collection method: clinical testing. Allele origin: germline.

Blueprint Genetics
Classification: Benign. Last evaluated: 2024-11-22. Review status: criteria provided, single submitter. Criteria: ACMG Guidelines, 2015. Collection method: clinical testing. Allele origin: germline.

CeGaT Center for Human Genetics Tuebingen
Classification: Likely benign. Last evaluated: 2024-11-01. Review status: criteria provided, single submitter. Criteria: CeGaT Center For Human Genetics Tuebingen Variant Classification Criteria Version 2. Collection method: clinical testing. Allele origin: germline. Affected: yes. Observed: 7 variant alleles.
Comment: IMPG2: BS2

Illumina Laboratory Services, Illumina
Classification: Uncertain significance for Retinitis pigmentosa. Last evaluated: 2018-01-13. Review status: criteria provided, single submitter. Criteria: ICSL Variant Classification Criteria 13 December 2019. Collection method: clinical testing. Allele origin: germline.

Eurofins Ntd Llc (ga)
Classification: Likely benign. Last evaluated: 2015-01-26. Review status: criteria provided, single submitter. Criteria: EGL Classification Definitions 2015. Collection method: clinical testing. Allele origin: germline. Observed: 4 variant alleles, 4 heterozygotes.